The following is an entry in ClinVar:

NM_002693.3(POLG):c.2657T>C (p.Leu886Pro)

Gene: POLG (DNA polymerase gamma, catalytic subunit; minus strand). Cytogenetic location: 15q26.1.
Variant type: single nucleotide variant.
Coding change: c.2657T>C on transcript NM_002693.3 (MANE Select); coding-DNA position 2657, T replaced by C.
Protein change: p.Leu886Pro; replaces leucine 886 with proline.
Molecular consequence: missense variant.
Genome position (GRCh38, 1-based): chr15:89,321,202, A>G on the plus strand (T>C on the coding strand, the complement: POLG is on the minus strand). VCF-style: chr15-89321202-A-G. GRCh37 (hg19) VCF-style: chr15-89864433-A-G.
Other names: c.2657T>C, p.Leu886Pro (NM_001126131.2); short protein forms L886P.
Identifiers: ClinVar variation 619331 (VCV000619331.4), dbSNP rs769210629, ClinGen allele CA7724386.

ClinVar aggregate classification (germline): Conflicting classifications of pathogenicity. Review status: criteria provided, conflicting classifications (1 of 4 stars). 2 submissions from 2 submitters: Likely pathogenic (1); Uncertain significance (1). Last evaluated 2023-10-13.

Conditions:
Progressive sclerosing poliodystrophy (MTDPS4A). Also called: Alpers-Huttenlocher Syndrome (AHS); Alpers Syndrome; ALPERS PROGRESSIVE INFANTILE POLIODYSTROPHY; Mitochondrial DNA depletion syndrome 4A (Alpers type); ALPERS DIFFUSE DEGENERATION OF CEREBRAL GRAY MATTER WITH HEPATIC CIRRHOSIS; Alpers-Huttenlocher Syndrome. Identifiers: Orphanet 726, MedGen C0205710, MONDO:0008758, OMIM 203700.

Allele frequency attached by ClinVar (database versions not stated): gnomAD exomes below 0.00001; TOPMed below 0.00001; ExAC 0.00001; gnomAD 0.00001.

Submissions (2):

Labcorp Genetics (formerly Invitae), Labcorp
Classification: Uncertain significance for Progressive sclerosing poliodystrophy. Last evaluated: 2023-10-13. Review status: criteria provided, single submitter. Criteria: Invitae Variant Classification Sherloc (09022015). Collection method: clinical testing. Allele origin: germline.
Comment: This sequence change replaces leucine, which is neutral and non-polar, with proline, which is neutral and non-polar, at codon 886 of the POLG protein (p.Leu886Pro). This variant is present in population databases (rs769210629, gnomAD 0.003%). This missense change has been observed in individual(s) with autosomal recessive POLG-related conditions (PMID: 18546365). ClinVar contains an entry for this variant (Variation ID: 619331). Advanced modeling of protein sequence and biophysical properties (such as structural, functional, and spatial information, amino acid conservation, physicochemical variation, residue mobility, and thermodynamic stability) performed at Invitae indicates that this missense variant is expected to disrupt POLG protein function. In summary, the available evidence is currently insufficient to determine the role of this variant in disease. Therefore, it has been classified as a Variant of Uncertain Significance.

Wong Mito Lab, Molecular and Human Genetics, Baylor College of Medicine
Classification: Likely pathogenic for Progressive sclerosing poliodystrophy. Last evaluated: 2018-10-01. Review status: criteria provided, single submitter. Criteria: ACMG Guidelines, 2015. Collection method: clinical testing. Allele origin: germline.
Comment: The NM_002693.2:c.2657T>C (NP_002684.1:p.Leu886Pro) [GRCH38: NC_000015.10:g.89321202A>G] variant in POLG gene is interpretated to be a Likely Pathogenic based on ACMG guidelines (PMID: 25741868). This variant meets the following evidence codes reported in the ACMG-guideline. PM1:This variant is in mutational hot spot or a well-studied functional domain without benign variation. PM2:This variant is absent in key population databases. PM3:Detected in trans with a pathogenic variant for Mitochondrial DNA depletion syndrome 4A (Alpers type) which is a recessive disorder. PP1:This variant is co-segregated with Mitochondrial DNA depletion syndrome 4A (Alpers type) in multiple affected family members. PP2:This is a missense variant in POLG with a low rate of benign and high rate of pathogenic missense variations. PP3:Computational evidence/predictors indicate the variant has deleterious effect on POLG structure, function, or protein-protein interaction. PP4:Patient's phenotype or family history is highly specific for POLG. Based on the evidence criteria codes applied, the variant is suggested to be Likely Pathogenic.

Literature cited by the submitters: PubMed 18546365 (cited by Labcorp Genetics (formerly Invitae), Labcorp).